The following is an entry in ClinVar:

NM_001379110.1(SLC9A6):c.*5_*6del

Gene: SLC9A6 (solute carrier family 9 member A6; plus strand). Cytogenetic location: Xq26.3.
Variant type: Deletion.
Coding change: c.*5_*6del on transcript NM_001379110.1 (MANE Select); 5 bases downstream of the stop codon through 6 bases downstream of the stop codon, 2 bases deleted (AC; older notation c.*5_*6delAC).
Molecular consequence: 3 prime UTR variant.
Genome position (GRCh38, 1-based): chrX:136,044,729-136,044,730, AC deleted. VCF-style (leftmost placement, unchanged base first): chrX-136044728-TAC-T. GRCh37 (hg19) VCF-style: chrX-135126887-TAC-T.
Other names: c.*5_*6del (NM_001042537.2, NM_001177651.2, NM_001330652.2 and 1 more transcripts).
Identifiers: ClinVar variation 587766 (VCV000587766.13), dbSNP rs781795776, ClinGen allele CA10524889.

ClinVar aggregate classification (germline): Benign/Likely benign. Review status: criteria provided, multiple submitters, no conflicts (2 of 4 stars). 5 submissions from 5 submitters: Benign (4); Likely benign (1). Last evaluated 2024-12-17.

Conditions:
Inborn genetic diseases. Identifiers: MedGen C0950123, MeSH D030342.

Allele frequency attached by ClinVar (database versions not stated): 1000 Genomes Project 0.00053; 1000 Genomes Project 30x 0.00062; TOPMed 0.00131; gnomAD 0.00149 and 0.00157; ExAC 0.00157; gnomAD exomes 0.00161 and 0.00226; ESP Exome Variant Server 0.00186.

Submissions (5):

Mayo Clinic Laboratories, Mayo Clinic
Classification: Benign. Last evaluated: 2024-12-17. Review status: criteria provided, single submitter. Criteria: ACMG Guidelines, 2015. Collection method: clinical testing. Allele origin: germline. Observed: 6 variant alleles.
Comment: BS1, BS2, BP4, BP7

Blueprint Genetics
Classification: Likely benign. Last evaluated: 2024-10-02. Review status: criteria provided, single submitter. Criteria: ACMG Guidelines, 2015. Collection method: clinical testing. Allele origin: germline.

Genetic Services Laboratory, University of Chicago
Classification: Benign. Last evaluated: 2017-08-18. Review status: criteria provided, single submitter. Criteria: ACMG Guidelines, 2015. Collection method: clinical testing. Allele origin: germline. Affected: no.

Ambry Genetics
Classification: Benign for Inborn genetic diseases. Last evaluated: 2016-09-07. Review status: criteria provided, single submitter. Criteria: Ambry Variant Classification Scheme 2023. Collection method: clinical testing. Allele origin: germline.

GeneDx
Classification: Benign. Last evaluated: 2015-03-03. Review status: criteria provided, single submitter. Criteria: GeneDx Variant Classification Process June 2021. Collection method: clinical testing. Allele origin: germline. Affected: yes.